The following is an entry in ClinVar:

NM_139076.3(ABRAXAS1):c.476+5A>C

Gene: ABRAXAS1 (abraxas 1, BRCA1 A complex subunit; minus strand). Cytogenetic location: 4q21.23.
Variant type: single nucleotide variant.
Coding change: c.476+5A>C on transcript NM_139076.3 (MANE Select); 5 bases into the intron after coding-DNA position 476, A replaced by C.
Molecular consequence: intron variant.
Genome position (GRCh38, 1-based): chr4:83,470,198, T>G on the plus strand (A>C on the coding strand, the complement: ABRAXAS1 is on the minus strand). VCF-style: chr4-83470198-T-G. GRCh37 (hg19) VCF-style: chr4-84391351-T-G.
Other names: c.149+5A>C (NM_001345962.2).
Identifiers: ClinVar variation 496537 (VCV000496537.11), dbSNP rs753767582, ClinGen allele CA2990548.
Genomic context (GRCh38, chr4:83,470,198, plus strand): 5'-AAGTACTAAGTATTAGATATATTTTTCTATTAGTTTAATACAGCCAGTGACTGGCCAACA[T>G]TTACCCTTTTTGAGGTTTATATAAGGAATGTTCCAGTCGATGAGTAGAGCAGCTTTCTGT-3'

ClinVar aggregate classification (germline): Conflicting classifications of pathogenicity. Review status: criteria provided, conflicting classifications (1 of 4 stars). 2 submissions from 2 submitters: Uncertain significance (1); Benign (1). Last evaluated 2025-11-10.

Allele frequency attached by ClinVar (database versions not stated): gnomAD exomes 0.00001 and 0.00006; ExAC 0.00003; TOPMed 0.00005.
gnomAD v4.1: 15 of 1,605,192 alleles (0.00093%); highest among the groups gnomAD compares: Admixed American, 0.026%; no homozygotes.

Submissions (2):

Labcorp Genetics (formerly Invitae), Labcorp
Classification: Uncertain significance. Last evaluated: 2025-11-10. Review status: criteria provided, single submitter. Criteria: Invitae Variant Classification Sherloc (09022015). Collection method: clinical testing. Allele origin: germline.
Comment: This sequence change falls in intron 5 of the ABRAXAS1 gene. It does not directly change the encoded amino acid sequence of the ABRAXAS1 protein. It affects a nucleotide within the consensus splice site. This variant is present in population databases (rs753767582, gnomAD 0.04%), and has an allele count higher than expected for a pathogenic variant. This variant has not been reported in the literature in individuals affected with ABRAXAS1-related conditions. ClinVar contains an entry for this variant (Variation ID: 496537). Variants that disrupt the consensus splice site are a relatively common cause of aberrant splicing (PMID: 17576681, 9536098). Algorithms developed to predict the effect of sequence changes on RNA splicing suggest that this variant is not likely to affect RNA splicing. In summary, the available evidence is currently insufficient to determine the role of this variant in disease. Therefore, it has been classified as a Variant of Uncertain Significance.

Women's Health and Genetics/Laboratory Corporation of America, LabCorp
Classification: Benign. Last evaluated: 2025-02-11. Review status: criteria provided, single submitter. Criteria: LabCorp Variant Classification Summary - May 2015. Collection method: clinical testing. Allele origin: germline.

Literature cited by the submitters: PubMed 17576681 (cited by Labcorp Genetics (formerly Invitae), Labcorp); PubMed 9536098 (cited by Labcorp Genetics (formerly Invitae), Labcorp).